The following is an entry in ClinVar:

ClinVar aggregate classification (germline): Pathogenic (1 of 4 stars; one submission).

Submission:

Quest Diagnostics Nichols Institute San Juan Capistrano
Classification: Pathogenic. Last evaluated: 2022-01-13. Review status: criteria provided, single submitter. Criteria: ACMG/ClinGen CNV Guidelines, 2019. Collection method: clinical testing. Allele origin: unknown.
Comment: This imbalance is expected to cause phenotypic and/or developmental abnormalities. This deletion is within the locus associated with1p36 deletion syndrome (OMIM 607872) which causes multiplecongenital anomalies and intellectual disability (Shapira et al., Am.J. Hum. Genet. 61: 642-650, 1997. PMID: 9326330). There is littlecorrelation between the deletion size and the number of clinical features, although the severity may correlate with the deletion size (Shiba, et al., Acta Neuropathol Commun. 2013 Aug 2;1(1):45. PMID:24252393). It has been suggested that some features of monosomy 1p36 might result from positional effects rather than a simple contiguousgene deletion. Nevertheless, a review of 50 patients attempted to associate genes/regions within the interval with the clinicalphenotypes associated with the syndrome (Shimada, et al., Brain Dev.2014 Aug 26. pii: S0387-7604(14)00189-2. PMID: 25172301).

GRCh37/hg19 1p36.33-36.32(chr1:2173570-5023430)x1

Genes: ACTRT2 (actin related protein T2; plus strand), AJAP1 (adherens junctions associated protein 1; plus strand), ARHGEF16 (Rho guanine nucleotide exchange factor 16; plus strand), C1orf174 (chromosome 1 open reading frame 174; minus strand), CCDC27 (coiled-coil domain containing 27; plus strand) and 21 more. Cytogenetic location: 1p36.33-36.32.
Variant type: copy number loss.
Change: copy number 1 (one copy instead of two) of chr1:2,173,570-5,023,430 (2.85 Mb, GRCh37 coordinates, 1-based), cytogenetic band 1p36.33-36.32.
Identifiers: ClinVar variation 1808734 (VCV001808734.1).